The following is an entry in ClinVar:

ClinVar aggregate classification (germline): Uncertain significance (1 of 4 stars; one submission).

Conditions:
Glucose-6-phosphate transport defect (GSD1B). Also called: GSD Ib; Glycogen Storage Disease Type Ib. Identifiers: Orphanet 364, Orphanet 79259, MedGen C0268146, MONDO:0009288, OMIM 232220.

Allele frequency attached by ClinVar (database versions not stated): gnomAD exomes below 0.00001.

Submission:

Labcorp Genetics (formerly Invitae), Labcorp
Classification: Uncertain significance for Glucose-6-phosphate transport defect. Last evaluated: 2024-10-30. Review status: criteria provided, single submitter. Criteria: Invitae Variant Classification Sherloc (09022015). Collection method: clinical testing. Allele origin: germline.
Comment: This sequence change replaces alanine, which is neutral and non-polar, with threonine, which is neutral and polar, at codon 113 of the SLC37A4 protein (p.Ala113Thr). The frequency data for this variant in the population databases is considered unreliable, as metrics indicate poor data quality at this position in the gnomAD database. This variant has not been reported in the literature in individuals affected with SLC37A4-related conditions. ClinVar contains an entry for this variant (Variation ID: 2166000). Invitae Evidence Modeling of protein sequence and biophysical properties (such as structural, functional, and spatial information, amino acid conservation, physicochemical variation, residue mobility, and thermodynamic stability) indicates that this missense variant is not expected to disrupt SLC37A4 protein function with a negative predictive value of 80%. In summary, the available evidence is currently insufficient to determine the role of this variant in disease. Therefore, it has been classified as a Variant of Uncertain Significance.

NM_001164277.2(SLC37A4):c.337G>A (p.Ala113Thr)

Gene: SLC37A4 (solute carrier family 37 member 4; minus strand). Cytogenetic location: 11q23.3.
Variant type: single nucleotide variant.
Coding change: c.337G>A on transcript NM_001164277.2 (MANE Select); coding-DNA position 337, G replaced by A.
Protein change: p.Ala113Thr; replaces alanine 113 with threonine.
Molecular consequence: missense variant.
Genome position (GRCh38, 1-based): chr11:119,028,238, C>T on the plus strand (G>A on the coding strand, the complement: SLC37A4 is on the minus strand). VCF-style: chr11-119028238-C-T. GRCh37 (hg19) VCF-style: chr11-118898948-C-T.
Other names: c.337G>A, p.Ala113Thr (NM_001164278.2, NM_001164280.2, NM_001467.6); c.118G>A, p.Ala40Thr (NM_001164279.2); short protein forms A113T, A40T.
Identifiers: ClinVar variation 2166000 (VCV002166000.4), dbSNP rs1391228799, ClinGen allele CA382904710.